The following is an entry in ClinVar:

ClinVar aggregate classification (germline): Likely benign. Review status: criteria provided, multiple submitters, no conflicts (2 of 4 stars). 3 submissions from 3 submitters: Likely benign (2). 1 of the submissions does not count toward it. Last evaluated 2025-02-27.

Conditions:
TET2-related disorder. Also called: TET2-related condition.

Allele frequency attached by ClinVar (database versions not stated): gnomAD 0.00009; ESP Exome Variant Server 0.00015.
gnomAD v4.1: 49 of 1,613,898 alleles (0.003%); highest among the groups gnomAD compares: African/African-American, 0.041%; 1 homozygote.

Submissions (3):

Labcorp Genetics (formerly Invitae), Labcorp
Classification: Likely benign. Last evaluated: 2025-02-27. Review status: criteria provided, single submitter. Criteria: Invitae Variant Classification Sherloc (09022015). Collection method: clinical testing. Allele origin: germline.

Ambry Genetics
Classification: Likely benign. Last evaluated: 2024-12-02. Review status: criteria provided, single submitter. Criteria: Ambry Variant Classification Scheme 2023. Collection method: clinical testing. Allele origin: germline.

PreventionGenetics, part of Exact Sciences
Classification: Likely benign for TET2-related condition. Last evaluated: 2023-05-22. Review status: no assertion criteria provided. Collection method: clinical testing. Allele origin: germline. Not counted in ClinVar's aggregate classification.
Comment: This variant is classified as likely benign based on ACMG/AMP sequence variant interpretation guidelines (Richards et al. 2015 PMID: 25741868, with internal and published modifications).

NM_001127208.3(TET2):c.1594T>C (p.Leu532=)

Genes: TET2 (tet methylcytosine dioxygenase 2; plus strand), TET2-AS1 (TET2 antisense RNA 1; minus strand). Cytogenetic location: 4q24.
Variant type: single nucleotide variant.
Coding change: c.1594T>C on transcript NM_001127208.3 (MANE Select); coding-DNA position 1594, T replaced by C.
Protein change: p.Leu532=; no amino-acid change (leucine 532 retained).
Molecular consequence: synonymous variant.
Genome position (GRCh38, 1-based): chr4:105,235,536, T>C. VCF-style: chr4-105235536-T-C. GRCh37 (hg19) VCF-style: chr4-106156693-T-C.
Other names: c.1594T>C, p.Leu532= (NM_017628.4).
Identifiers: ClinVar variation 3047695 (VCV003047695.4), dbSNP rs138270459, ClinGen allele CA3031713.
Genomic context (GRCh38, chr4:105,235,536, plus strand): 5'-CTCAAGCATAACCCACCAATTTTTGGTAGCAGTGGAGAGCTACAGGACAACTGCCAGCAG[T>C]TGATGAGAAACAAAGAGCAAGAGATTCTGAAGGGTCGAGACAAGGAGCAAACACGAGATC-3'
Protein context (NP_001120680.1, residues 522-542): SGELQDNCQQ[Leu532=]MRNKEQEILK